The following is an entry in ClinVar:

NM_000138.5(FBN1):c.445_446insAAAGTGTAAAATAT (p.Val149fs)

Gene: FBN1 (fibrillin 1; minus strand). Cytogenetic location: 15q21.1.
Variant type: Insertion.
Coding change: c.445_446insAAAGTGTAAAATAT on transcript NM_000138.5 (MANE Select); coding-DNA positions 445 to 446, AAAGTGTAAAATAT inserted.
Protein change: p.Val149fs; shifts the reading frame from valine 149.
Molecular consequence: frameshift variant.
Genome position: GRCh38 VCF-style: chr15-48596375-A-AATATTTTACACTTT. GRCh37 (hg19) VCF-style: chr15-48888572-A-AATATTTTACACTTT.
Other names: c.445_446insAAAGTGTAAAATAT, p.Val149fs (NM_001406716.1, NM_001406717.1); short protein forms V149fs.
Identifiers: ClinVar variation 4787382 (VCV004787382.1).

ClinVar aggregate classification (germline): Pathogenic (1 of 4 stars; one submission).

Conditions:
Marfan syndrome (MFS). Also called: FBN1-Related Marfan Syndrome; MARFAN SYNDROME, TYPE I; Marfan syndrome type 1; Marfan's syndrome; Marfan syndrome, classic. Identifiers: Orphanet 284963, Orphanet 558, MedGen C0024796, MONDO:0007947, OMIM 154700.
Familial thoracic aortic aneurysm and aortic dissection (TAAD). Also called: Thoracic aortic aneurysms and dissections. Identifiers: Orphanet 91387, MedGen C4707243, MONDO:0019625.

Submission:

Labcorp Genetics (formerly Invitae), Labcorp
Classification: Pathogenic for Marfan syndrome; Familial thoracic aortic aneurysm and aortic dissection. Last evaluated: 2026-01-27. Review status: criteria provided, single submitter. Criteria: Invitae Variant Classification Sherloc (09022015). Collection method: clinical testing. Allele origin: germline.
Comment: This sequence change creates a premature translational stop signal (p.Val149Glufs*46) in the FBN1 gene. It is expected to result in an absent or disrupted protein product. Loss-of-function variants in FBN1 are known to be pathogenic (PMID: 17657824, 19293843). This variant is not present in population databases (gnomAD no frequency). This variant has not been reported in the literature in individuals affected with FBN1-related conditions. For these reasons, this variant has been classified as Pathogenic.

Literature cited by the submitters: PubMed 17657824; PubMed 19293843.